The following is an entry in ClinVar:

NM_002075.4(GNB3):c.953T>C (p.Leu318Pro)

Genes: CDCA3 (cell division cycle associated 3; minus strand), GNB3 (G protein subunit beta 3; plus strand). Cytogenetic location: 12p13.31.
Variant type: single nucleotide variant.
Coding change: c.953T>C on transcript NM_002075.4 (MANE Select); coding-DNA position 953, T replaced by C.
Protein change: p.Leu318Pro; replaces leucine 318 with proline.
Molecular consequence: missense variant.
Genome position (GRCh38, 1-based): chr12:6,846,828, T>C. VCF-style: chr12-6846828-T-C. GRCh37 (hg19) VCF-style: chr12-6955992-T-C.
Other names: c.950T>C, p.Leu317Pro (NM_001297571.2); c.620A>G, p.Gln207Arg (NM_001297603.3); short protein forms L317P, L318P, Q207R.
Identifiers: ClinVar variation 1061888 (VCV001061888.10), dbSNP rs1555124854, ClinGen allele CA383676090.
Genomic context (GRCh38, chr12:6,846,828, plus strand): 5'-CTGACTCCTTTCCCTCTTCCTCAGGCATCCTCTCTGGCCACGATAACAGGGTGAGCTGCC[T>C]GGGAGTCACAGCTGACGGGATGGCTGTGGCCACAGGTTCCTGGGACAGCTTCCTCAAAAT-3'
Protein context (NP_002066.1, residues 308-328): LSGHDNRVSC[Leu318Pro]GVTADGMAVA

ClinVar aggregate classification (germline): Uncertain significance. Review status: criteria provided, multiple submitters, no conflicts (2 of 4 stars). 2 submissions from 2 submitters: Uncertain significance (2). Last evaluated 2025-03-17.

Conditions:
Inborn genetic diseases. Identifiers: MedGen C0950123, MeSH D030342.

Allele frequency attached by ClinVar (database versions not stated): gnomAD 0.00001; gnomAD exomes 0.00001; TOPMed below 0.00001.
gnomAD v4.1: 15 of 1,601,540 alleles (0.00094%); highest among the groups gnomAD compares: Non-Finnish European, 0.0012%; no homozygotes.

Submissions (2):

Labcorp Genetics (formerly Invitae), Labcorp
Classification: Uncertain significance. Last evaluated: 2025-03-17. Review status: criteria provided, single submitter. Criteria: Invitae Variant Classification Sherloc (09022015). Collection method: clinical testing. Allele origin: germline.
Comment: This sequence change replaces leucine, which is neutral and non-polar, with proline, which is neutral and non-polar, at codon 318 of the GNB3 protein (p.Leu318Pro). This variant is not present in population databases (gnomAD no frequency). This variant has not been reported in the literature in individuals affected with GNB3-related conditions. ClinVar contains an entry for this variant (Variation ID: 1061888). Invitae Evidence Modeling of protein sequence and biophysical properties (such as structural, functional, and spatial information, amino acid conservation, physicochemical variation, residue mobility, and thermodynamic stability) indicates that this missense variant is expected to disrupt GNB3 protein function with a positive predictive value of 80%. In summary, the available evidence is currently insufficient to determine the role of this variant in disease. Therefore, it has been classified as a Variant of Uncertain Significance.

Ambry Genetics
Classification: Uncertain significance for Inborn genetic diseases. Last evaluated: 2023-09-12. Review status: criteria provided, single submitter. Criteria: Ambry Variant Classification Scheme 2023. Collection method: clinical testing. Allele origin: germline.